The following is an entry in ClinVar:

NM_002485.5(NBN):c.1589C>A (p.Ser530Tyr)

Gene: NBN (nibrin; minus strand). Cytogenetic location: 8q21.3.
Variant type: single nucleotide variant.
Coding change: c.1589C>A on transcript NM_002485.5 (MANE Select); coding-DNA position 1589, C replaced by A.
Protein change: p.Ser530Tyr; replaces serine 530 with tyrosine.
Molecular consequence: missense variant.
Genome position (GRCh38, 1-based): chr8:89,953,500, G>T on the plus strand (C>A on the coding strand, the complement: NBN is on the minus strand). VCF-style: chr8-89953500-G-T. GRCh37 (hg19) VCF-style: chr8-90965728-G-T.
Other names: c.1343C>A, p.Ser448Tyr (NM_001024688.3); short protein forms S448Y, S530Y.
Identifiers: ClinVar variation 1775860 (VCV001775860.5), dbSNP rs920311188, ClinGen allele CA181257903.

ClinVar aggregate classification (germline): Uncertain significance. Review status: criteria provided, multiple submitters, no conflicts (2 of 4 stars). 2 submissions from 2 submitters: Uncertain significance (2). Last evaluated 2023-11-14.

Conditions:
Hereditary cancer-predisposing syndrome. Also called: Tumor predisposition; Neoplastic Syndromes, Hereditary; Hereditary Cancer Syndrome; Hereditary neoplastic syndrome. Identifiers: Orphanet 140162, MedGen C0027672, MeSH D009386, MONDO:0015356.
Microcephaly, normal intelligence and immunodeficiency (NBS). Also called: IMMUNODEFICIENCY, MICROCEPHALY, AND CHROMOSOMAL INSTABILITY; SEEMANOVA SYNDROME II; Nijmegen breakage syndrome; Microcephaly with normal intelligence immunodeficiency and lymphoreticular malignancies; Nonsyndromal microcephaly autosomal recessive with normal intelligence; Seemanova syndrome 2. Identifiers: Orphanet 647, MedGen C0398791, MONDO:0009623, OMIM 251260.

Allele frequency attached by ClinVar (database versions not stated): TOPMed below 0.00001.

Submissions (2):

Labcorp Genetics (formerly Invitae), Labcorp
Classification: Uncertain significance for Microcephaly, normal intelligence and immunodeficiency. Last evaluated: 2023-11-14. Review status: criteria provided, single submitter. Criteria: Invitae Variant Classification Sherloc (09022015). Collection method: clinical testing. Allele origin: germline.
Comment: This sequence change replaces serine, which is neutral and polar, with tyrosine, which is neutral and polar, at codon 530 of the NBN protein (p.Ser530Tyr). This variant is not present in population databases (gnomAD no frequency). This variant has not been reported in the literature in individuals affected with NBN-related conditions. ClinVar contains an entry for this variant (Variation ID: 1775860). An algorithm developed to predict the effect of missense changes on protein structure and function (PolyPhen-2) suggests that this variant is likely to be tolerated. In summary, the available evidence is currently insufficient to determine the role of this variant in disease. Therefore, it has been classified as a Variant of Uncertain Significance.

Ambry Genetics
Classification: Uncertain significance for Hereditary cancer-predisposing syndrome. Last evaluated: 2019-08-30. Review status: criteria provided, single submitter. Criteria: Ambry Variant Classification Scheme 2023. Collection method: clinical testing. Allele origin: germline.
Comment: The p.S530Y variant (also known as c.1589C>A), located in coding exon 11 of the NBN gene, results from a C to A substitution at nucleotide position 1589. The serine at codon 530 is replaced by tyrosine, an amino acid with dissimilar properties. This amino acid position is not well conserved in available vertebrate species. In addition, this alteration is predicted to be tolerated by in silico analysis. Since supporting evidence is limited at this time, the clinical significance of this alteration remains unclear.